The following is an entry in ClinVar:

t(12;13)(p13.2;q12.2)

Genes: ETV6 (ETS variant transcription factor 6; plus strand), FLT3 (fms related receptor tyrosine kinase 3; minus strand). Cytogenetic location: 12p13.2.
Variant type: Translocation.
Identifiers: ClinVar variation 590266 (VCV000590266.1).

ClinVar aggregate classification (germline): Likely pathogenic (0 of 4 stars; one submission).

Conditions:
Chronic myelomonocytic leukemia (CMML). Identifiers: Orphanet 98823, MedGen C0023480, MONDO:0020311, HP:0012325.

Submission:

Knight Cancer Institute, Oregon Health and Science University
Classification: Likely pathogenic for Chronic myelomonocytic leukemia. Last evaluated: 2018-09-25. Review status: no assertion criteria provided. Collection method: clinical testing. Allele origin: unknown. Affected: yes.
Comment: Primary patient samples are sensitive to kinase inhibitors (quizartinib and sorafenib)

Literature cited by the submitters: PubMed 19345670; PubMed 21705501; PubMed 23873282; PubMed 16761019; PubMed 24854988.